The following is an entry in ClinVar:

ClinVar aggregate classification (germline): Uncertain significance. Review status: criteria provided, multiple submitters, no conflicts (2 of 4 stars). 2 submissions from 2 submitters: Uncertain significance (2). Last evaluated 2026-04-01.

Conditions:
Spondylodysplastic Ehlers-Danlos syndrome. Identifiers: Orphanet 536471, Orphanet 75496, MedGen C5680154, MONDO:0007526.

gnomAD v4.1: 3 of 1,610,842 alleles (0.00019%); highest among the groups gnomAD compares: Non-Finnish European, 0.00025%; no homozygotes.

Submissions (2):

Women's Health and Genetics/Laboratory Corporation of America, LabCorp
Classification: Uncertain significance. Last evaluated: 2026-04-01. Review status: criteria provided, single submitter. Criteria: LabCorp Variant Classification Summary - May 2015. Collection method: clinical testing. Allele origin: germline.
Comment: Variant summary: B4GALT7 c.188G>A (p.Gly63Glu) results in a non-conservative amino acid change in the encoded protein sequence. Algorithms developed to predict the effect of missense changes on protein structure and function are either unavailable or do not agree on the potential impact of this missense change. The variant allele was found at a frequency of 8.3e-06 in 240344 control chromosomes. The available data on variant occurrences in the general population are insufficient to allow any conclusion about variant significance. To our knowledge, no occurrence of c.188G>A in individuals affected with B4GALT7-related conditions and no experimental evidence demonstrating its impact on protein function have been reported. ClinVar contains an entry for this variant (Variation ID: 1972884). Based on the evidence outlined above, the variant was classified as uncertain significance.

Labcorp Genetics (formerly Invitae), Labcorp
Classification: Uncertain significance for Spondylodysplastic Ehlers-Danlos syndrome. Last evaluated: 2022-05-31. Review status: criteria provided, single submitter. Criteria: Invitae Variant Classification Sherloc (09022015). Collection method: clinical testing. Allele origin: germline.
Comment: This sequence change replaces glycine, which is neutral and non-polar, with glutamic acid, which is acidic and polar, at codon 63 of the B4GALT7 protein (p.Gly63Glu). This variant is present in population databases (rs773416080, gnomAD 0.002%). This variant has not been reported in the literature in individuals affected with B4GALT7-related conditions. Algorithms developed to predict the effect of missense changes on protein structure and function are either unavailable or do not agree on the potential impact of this missense change (SIFT: "Deleterious"; PolyPhen-2: "Benign"; Align-GVGD: "Class C0"). In summary, the available evidence is currently insufficient to determine the role of this variant in disease. Therefore, it has been classified as a Variant of Uncertain Significance.

NM_007255.3(B4GALT7):c.188G>A (p.Gly63Glu)

Gene: B4GALT7 (beta-1,4-galactosyltransferase 7; plus strand). Cytogenetic location: 5q35.3.
Variant type: single nucleotide variant.
Coding change: c.188G>A on transcript NM_007255.3 (MANE Select); coding-DNA position 188, G replaced by A.
Protein change: p.Gly63Glu; replaces glycine 63 with glutamic acid.
Molecular consequence: missense variant.
Genome position (GRCh38, 1-based): chr5:177,604,316, G>A. VCF-style: chr5-177604316-G-A. GRCh37 (hg19) VCF-style: chr5-177031317-G-A.
Other names: short protein forms G63E.
Identifiers: ClinVar variation 1972884 (VCV001972884.3), dbSNP rs773416080, ClinGen allele CA3586401.